The following is an entry in ClinVar:

NM_177438.3(DICER1):c.220_221delinsTT (p.Ala74Leu)

Gene: DICER1 (dicer 1, ribonuclease III; minus strand). Cytogenetic location: 14q32.13.
Variant type: Indel.
Coding change: c.220_221delinsTT on transcript NM_177438.3 (MANE Select); coding-DNA positions 220 to 221, GC replaced by TT.
Protein change: p.Ala74Leu; replaces alanine 74 with leucine.
Molecular consequence: missense variant.
Genome position (GRCh38, 1-based): chr14:95,132,601-95,132,602, GC replaced by AA on the plus strand (GC replaced by TT on the coding strand, the reverse complement: DICER1 is on the minus strand). VCF-style: chr14-95132601-GC-AA. GRCh37 (hg19) VCF-style: chr14-95598938-GC-AA.
Other names: c.220_221delGCinsTT (NM_177438.2); c.220_221delinsTT, p.Ala74Leu (NM_001195573.1, NM_001271282.3, NM_001291628.2 and 1 more transcripts); short protein forms A74L.
Identifiers: ClinVar variation 569813 (VCV000569813.14), dbSNP rs1566815292, ClinGen allele CA891844410.

ClinVar aggregate classification (germline): Uncertain significance. Review status: criteria provided, multiple submitters, no conflicts (2 of 4 stars). 3 submissions from 3 submitters: Uncertain significance (3). Last evaluated 2026-01-15.

Conditions:
Rhabdomyosarcoma, embryonal, 2 (RMSE2). Identifiers: MedGen C1867234, MONDO:0859046, OMIM 180295.
Pleuropulmonary blastoma (PPB). Identifiers: Orphanet 64742, MedGen C1266144, MONDO:0011014, OMIM 601200, HP:0100528.
Euthyroid goiter (MNG1). Also called: Goiter, multinodular 1, with or without Sertoli-Leydig cell tumors; SIMPLE GOITER; GOITER, NONTOXIC, WITH INTRATHYROIDAL CALCIFICATION; MULTINODULAR GOITER, ADOLESCENT. Identifiers: Orphanet 276399, MedGen C0302859, MONDO:0007681, OMIM 138800, HP:0009798.
Global developmental delay - lung cysts - overgrowth - Wilms tumor syndrome. Also called: GLOBAL DEVELOPMENTAL DELAY, LUNG CYSTS, OVERGROWTH, AND WILMS TUMOR; GLOW Syndrome. Identifiers: Orphanet 404476, MedGen C4748924, MONDO:0018445, OMIM 618272.
DICER1-related tumor predisposition. Also called: DICER1 syndrome; DICER1-related pleuropulmonary blastoma cancer predisposition syndrome. Identifiers: Orphanet 284343, MedGen C3839822, MONDO:0100216.
Hereditary cancer-predisposing syndrome. Also called: Hereditary neoplastic syndrome; Neoplastic Syndromes, Hereditary; Hereditary Cancer Syndrome; Tumor predisposition. Identifiers: Orphanet 140162, MedGen C0027672, MeSH D009386, MONDO:0015356.

Submissions (3):

Labcorp Genetics (formerly Invitae), Labcorp
Classification: Uncertain significance for DICER1-related tumor predisposition. Last evaluated: 2026-01-15. Review status: criteria provided, single submitter. Criteria: Invitae Variant Classification Sherloc (09022015). Collection method: clinical testing. Allele origin: germline.
Comment: This sequence change replaces alanine, which is neutral and non-polar, with leucine, which is neutral and non-polar, at codon 74 of the DICER1 protein (p.Ala74Leu). This variant is present in population databases (no rsID available, gnomAD 0.001%). This variant has not been reported in the literature in individuals affected with DICER1-related conditions. ClinVar contains an entry for this variant (Variation ID: 569813). An algorithm developed to predict the effect of missense changes on protein structure and function (PolyPhen-2) suggests that this variant is likely to be tolerated. In summary, the available evidence is currently insufficient to determine the role of this variant in disease. Therefore, it has been classified as a Variant of Uncertain Significance.

Ambry Genetics
Classification: Uncertain significance for Hereditary cancer-predisposing syndrome. Last evaluated: 2025-01-23. Review status: criteria provided, single submitter. Criteria: Ambry Variant Classification Scheme 2023. Collection method: clinical testing. Allele origin: germline.
Comment: The c.220_221delGCinsTT variant (also known as p.A74L), located in coding exon 2 of the DICER1 gene, results from an in-frame deletion of GC and insertion of TT at nucleotide positions 220 to 221. This results in the substitution of the alanine residue for a leucine residue at codon 74, an amino acid with similar properties. This amino acid position is highly conserved in available vertebrate species. In addition, this alteration is predicted to be neutral by in silico analysis (Choi Y et al. PLoS ONE. 2012; 7(10):e46688). Based on the available evidence, the clinical significance of this variant remains unclear.

Fulgent Genetics
Classification: Uncertain significance for Euthyroid goiter; Rhabdomyosarcoma, embryonal, 2; Pleuropulmonary blastoma; Global developmental delay - lung cysts - overgrowth - Wilms tumor syndrome. Last evaluated: 2024-02-27. Review status: criteria provided, single submitter. Criteria: ACMG Guidelines, 2015. Collection method: clinical testing. Allele origin: germline.